The following continues an entry in ClinVar:

NM_000059.4(BRCA2):c.383A>G (p.Asp128Gly)

Gene: BRCA2. ClinVar aggregate classification (germline): Conflicting classifications of pathogenicity. Uncertain significance (11); Likely benign (3).

Submissions 10 to 15 of 15:

Color Diagnostics, LLC DBA Color Health
Classification: Uncertain significance for Hereditary cancer-predisposing syndrome. Last evaluated: 2023-11-16. Review status: criteria provided, single submitter. Criteria: ACMG Guidelines, 2015. Collection method: clinical testing. Allele origin: germline.
Comment: This missense variant replaces aspartic acid with glycine at codon 128 of the BRCA2 protein. Computational prediction suggests that this variant may not impact protein structure and function (internally defined REVEL score threshold <= 0.5, PMID: 27666373). A minigene splicing assay has reported a partial splicing defect for this variant (PMID: 30883759). To our knowledge, protein functional studies have not been performed for this variant. This variant has been reported in one individual each affected with breast cancer and colorectal cancer and in two individuals affected with prostate cancer (PMID: 10690392, 24814045, 31214711, 33471991; Leiden Open Variation Database DB-ID BRCA2_006255). This variant also has been reported in at least three individuals unaffected with cancer in breast and pancreatic cancer case-control studies (PMID: 30287823, 32980694, 33471991; Leiden Open Variation Database DB-ID BRCA2_006255). This variant has been identified in 1/251152 chromosomes in the general population by the Genome Aggregation Database (gnomAD). The available evidence is insufficient to determine the role of this variant in disease conclusively. Therefore, this variant is classified as a Variant of Uncertain Significance.

Blueprint Genetics
Classification: Uncertain significance. Last evaluated: 2023-06-28. Review status: criteria provided, single submitter. Criteria: ACMG Guidelines, 2015. Collection method: clinical testing. Allele origin: germline.

Sema4
Classification: Uncertain significance for Hereditary cancer-predisposing syndrome. Last evaluated: 2022-03-16. Review status: criteria provided, single submitter. Criteria: Sema4 Curation Guidelines. Collection method: curation. Allele origin: germline.
Comment: The BRCA2 c.383A>G (p.D128G) variant has been reported in heterozygosity in at least four individuals with breast, colorectal and prostate cancer (PMID: 10690392, 24814045, 31214711). It has been reported in a large case-control study of breast cancer in 1/60466 cases and 1/53461 controls (PMID: 33471991). It has also been reported in healthy individuals (PMID: 30287823, 32980694). A minigene splicing assay has reported a partial splicing defect for this variant (PMID:30883759). This variant was observed in 1/113592 chromosomes in the Non-Finnish European population according to the Genome Aggregation Database (PMID: 32461654). This variant has been reported in ClinVar (Variation ID: 51538). In silico predictions of the variant's effect on protein function are inconclusive.The evidence is insufficient to meet ACMG/AMP criteria for classifying the variant as benign or pathogenic. Thus, the clinical significance of this variant is currently uncertain.

GeneDx
Classification: Uncertain significance. Last evaluated: 2019-08-20. Review status: criteria provided, single submitter. Criteria: GeneDx Variant Classification Process June 2021. Collection method: clinical testing. Allele origin: germline. Affected: yes.
Comment: Not observed at a significant frequency in large population cohorts (Lek et al., 2016); Also known as BRCA2 611A>G; This variant is associated with the following publications: (PMID: 30287823, 24814045, 10690392, 30883759)

Mendelics
Classification: Uncertain significance for Breast-ovarian cancer, familial, susceptibility to, 2. Last evaluated: 2019-05-28. Review status: criteria provided, single submitter. Criteria: Mendelics Assertion Criteria 2017. Collection method: clinical testing. Allele origin: unknown.

Breast Cancer Information Core (BIC) (BRCA2)
Classification: Uncertain significance for Breast-ovarian cancer, familial 2. Last evaluated: 1999-01-15. Review status: no assertion criteria provided. Collection method: clinical testing. Allele origin: germline. Affected: yes. Observed: 1 variant allele. Not counted in ClinVar's aggregate classification.

Literature cited by the submitters: PubMed 10690392 (cited by 6 submitters); PubMed 24814045 (cited by 7 submitters); PubMed 31214711 (cited by 4 submitters); PubMed 33606809 (cited by Labcorp Genetics (formerly Invitae), Labcorp and Women's Health and Genetics/Laboratory Corporation of America, LabCorp); PubMed 34413315 (cited by Labcorp Genetics (formerly Invitae), Labcorp and Women's Health and Genetics/Laboratory Corporation of America, LabCorp); PubMed 35264596 (cited by 4 submitters); PubMed 30287823 (cited by 6 submitters); PubMed 30883759 (cited by 6 submitters); PubMed 31853058 (cited by 3 submitters); PubMed 35534704 (cited by Women's Health and Genetics/Laboratory Corporation of America, LabCorp and Quest Diagnostics Nichols Institute San Juan Capistrano); PubMed 35957908 (cited by Women's Health and Genetics/Laboratory Corporation of America, LabCorp); PubMed 33471991 (cited by 4 submitters); PubMed 10923033 (cited by Ambry Genetics); PubMed 29884841 (cited by Ambry Genetics); PubMed 32980694 (cited by 3 submitters).